The following is an entry in ClinVar:

ClinVar aggregate classification (germline): Conflicting classifications of pathogenicity. Review status: criteria provided, conflicting classifications (1 of 4 stars). 7 submissions from 6 submitters: Uncertain significance (2); Likely benign (4). 1 of the submissions does not count toward it. Last evaluated 2026-02-01.

Conditions:
Inborn genetic diseases. Identifiers: MedGen C0950123, MeSH D030342.
Ocular cystinosis. Also called: Non-Nephropathic Cystinosis; Non-Nephropathic (Ocular) Cystinosis. Identifiers: Orphanet 213, Orphanet 411641, MedGen C2931013, MONDO:0009064, OMIM 219750.
Juvenile nephropathic cystinosis. Also called: Intermediate Cystinosis; CYSTINOSIS, LATE-ONSET JUVENILE OR ADOLESCENT NEPHROPATHIC TYPE; Later-Onset (Juvenile) Cystinosis. Identifiers: Orphanet 213, Orphanet 411634, MedGen C0268626, MONDO:0009066, OMIM 219900.
Cystinosis. Also called: Cystine diathesis; Cystine storage disease; Cystinoses. Identifiers: Orphanet 213, MedGen C4316899, MONDO:0016239.
Nephropathic cystinosis (CTNS). Also called: LYSOSOMAL CYSTINE TRANSPORT PROTEIN, DEFECT OF; CYSTINOSIN, DEFECT OF; Abderhalden Lignac Kaufmann disease; Abderhalden-Kaufmann-Lignac syndrome. Identifiers: Orphanet 213, Orphanet 411629, MedGen C2931187, MONDO:0100151, OMIM 219800.

Allele frequency attached by ClinVar (database versions not stated): ESP Exome Variant Server 0.00008; ExAC 0.00010; gnomAD 0.00012; TOPMed 0.00013; gnomAD exomes 0.00022.
gnomAD v4.1: 353 of 1,600,088 alleles (0.022%); highest among the groups gnomAD compares: Non-Finnish European, 0.027%; 1 homozygote.

Submissions (7):

CeGaT Center for Human Genetics Tuebingen
Classification: Likely benign. Last evaluated: 2026-02-01. Review status: criteria provided, single submitter. Criteria: CeGaT Center For Human Genetics Tuebingen Variant Classification Criteria Version 2. Collection method: clinical testing. Allele origin: germline. Affected: yes. Observed: 1 variant allele.
Comment: CTNS: BP4, BP7

Labcorp Genetics (formerly Invitae), Labcorp
Classification: Likely benign for Inborn genetic diseases; Ocular cystinosis; Juvenile nephropathic cystinosis. Last evaluated: 2026-01-11. Review status: criteria provided, single submitter. Criteria: Invitae Variant Classification Sherloc (09022015). Collection method: clinical testing. Allele origin: germline.

Blueprint Genetics
Classification: Likely benign. Last evaluated: 2024-09-03. Review status: criteria provided, single submitter. Criteria: ACMG Guidelines, 2015. Collection method: clinical testing. Allele origin: germline.

Women's Health and Genetics/Laboratory Corporation of America, LabCorp
Classification: Likely benign. Last evaluated: 2019-08-28. Review status: criteria provided, single submitter. Criteria: LabCorp Variant Classification Summary - May 2015. Collection method: clinical testing. Allele origin: germline.

Illumina Laboratory Services, Illumina
Classification: Uncertain significance for Nephropathic cystinosis. Last evaluated: 2018-01-12. Review status: criteria provided, single submitter. Criteria: ICSL Variant Classification Criteria 13 December 2019. Collection method: clinical testing. Allele origin: germline.

Illumina Laboratory Services, Illumina
Classification: Uncertain significance for Ocular cystinosis. Last evaluated: 2018-01-12. Review status: criteria provided, single submitter. Criteria: ICSL Variant Classification Criteria 13 December 2019. Collection method: clinical testing. Allele origin: germline.

Natera, Inc.
Classification: Likely benign for Cystinosis. Last evaluated: 2020-04-21. Review status: no assertion criteria provided. Collection method: clinical testing. Allele origin: germline. Not counted in ClinVar's aggregate classification.

NM_004937.3(CTNS):c.480C>T (p.Phe160=)

Genes: CTNS (cystinosin, lysosomal cystine transporter; plus strand), CTNS-AS1 (CTNS antisense RNA 1; minus strand). Cytogenetic location: 17p13.2.
Variant type: single nucleotide variant.
Coding change: c.480C>T on transcript NM_004937.3 (MANE Select); coding-DNA position 480, C replaced by T.
Protein change: p.Phe160=; no amino-acid change (phenylalanine 160 retained).
Molecular consequence: synonymous variant.
Genome position (GRCh38, 1-based): chr17:3,656,505, C>T. VCF-style: chr17-3656505-C-T. GRCh37 (hg19) VCF-style: chr17-3559799-C-T.
Other names: c.480C>T, p.Phe160= (NM_001031681.3, NM_001374492.1); c.39C>T, p.Phe13= (NM_001374493.1, NM_001374494.1, NM_001374495.1 and 1 more transcripts).
Identifiers: ClinVar variation 496275 (VCV000496275.25), dbSNP rs147565118, ClinGen allele CA8291753.